The following is an entry in ClinVar:

NM_001127222.2(CACNA1A):c.1490C>G (p.Ala497Gly)

Gene: CACNA1A (calcium voltage-gated channel subunit alpha1 A; minus strand). Cytogenetic location: 19p13.13.
Variant type: single nucleotide variant.
Coding change: c.1490C>G on transcript NM_001127222.2 (MANE Select); coding-DNA position 1490, C replaced by G.
Protein change: p.Ala497Gly; replaces alanine 497 with glycine.
Molecular consequence: missense variant.
Genome position (GRCh38, 1-based): chr19:13,317,177, G>C on the plus strand (C>G on the coding strand, the complement: CACNA1A is on the minus strand). VCF-style: chr19-13317177-G-C. GRCh37 (hg19) VCF-style: chr19-13427991-G-C.
Other names: c.1493C>G, p.Ala498Gly (NM_000068.4, NM_001127221.2, NM_001174080.2 and 1 more transcripts); short protein forms A498G, A497G.
Identifiers: ClinVar variation 590060 (VCV000590060.5), dbSNP rs1568528100, ClinGen allele CA404345693.
Genomic context (GRCh38, chr19:13,317,177, plus strand): 5'-AAGTCGGAGAGCCACTCGGGCTGGTTGTAGTGAACAATAGCAACACACAGCGTGTTGAGA[G>C]CTACCAAACTGAGTACAGTCCAGTAGAAGGCCTGAGTTTTGACCATGCGGCGGATGTAGA-3'
Protein context (NP_001120694.1, residues 487-507): AFYWTVLSLV[Ala497Gly]LNTLCVAIVH

ClinVar aggregate classification (germline): Uncertain significance (1 of 4 stars; one submission).

Conditions:
Inborn genetic diseases. Identifiers: MedGen C0950123, MeSH D030342.

Submission:

Ambry Genetics
Classification: Uncertain significance for Inborn genetic diseases. Last evaluated: 2017-02-01. Review status: criteria provided, single submitter. Criteria: Ambry Variant Classification Scheme 2023. Collection method: clinical testing. Allele origin: germline.
Comment: The p.A498G variant (also known as c.1493C>G), located in coding exon 11 of the CACNA1A gene, results from a C to G substitution at nucleotide position 1493. The alanine at codon 498 is replaced by glycine, an amino acid with similar properties. This amino acid position is not well conserved in available vertebrate species. In addition, the in silico prediction for this alteration is inconclusive. Since supporting evidence is limited at this time, the clinical significance of this variant remains unclear.